The following is an entry in ClinVar:

ClinVar aggregate classification (germline): Benign/Likely benign. Review status: criteria provided, multiple submitters, no conflicts (2 of 4 stars). 3 submissions from 3 submitters: Benign (1); Likely benign (2). Last evaluated 2025-12-07.

Conditions:
Tuberous sclerosis 2 (TSC2). Identifiers: Orphanet 805, MedGen C1860707, MONDO:0013199, OMIM 613254.
Hereditary cancer-predisposing syndrome. Also called: Hereditary neoplastic syndrome; Tumor predisposition; Neoplastic Syndromes, Hereditary; Hereditary Cancer Syndrome. Identifiers: Orphanet 140162, MedGen C0027672, MeSH D009386, MONDO:0015356.

Allele frequency attached by ClinVar (database versions not stated): gnomAD exomes below 0.00001; TOPMed below 0.00001; ExAC 0.00001.
gnomAD v4.1: 6 of 1,613,766 alleles (0.00037%); highest among the groups gnomAD compares: Non-Finnish European, 0.00042%; no homozygotes.

Submissions (3):

Labcorp Genetics (formerly Invitae), Labcorp
Classification: Likely benign for Tuberous sclerosis 2. Last evaluated: 2025-12-07. Review status: criteria provided, single submitter. Criteria: Invitae Variant Classification Sherloc (09022015). Collection method: clinical testing. Allele origin: germline.

Myriad Genetics, Inc.
Classification: Benign for Tuberous sclerosis 2. Last evaluated: 2025-05-15. Review status: criteria provided, single submitter. Criteria: Myriad Autosomal Dominant, Autosomal Recessive and X-Linked Classification Criteria (2023). Collection method: clinical testing. Allele origin: unknown.
Comment: This variant is considered benign. This variant is a silent/synonymous amino acid change and it is not expected to impact splicing.

Ambry Genetics
Classification: Likely benign for Hereditary cancer-predisposing syndrome. Last evaluated: 2023-05-10. Review status: criteria provided, single submitter. Criteria: Ambry Variant Classification Scheme 2023. Collection method: clinical testing. Allele origin: germline.

NM_000548.5(TSC2):c.1614C>T (p.Ser538=)

Gene: TSC2 (TSC complex subunit 2; plus strand). Cytogenetic location: 16p13.3.
Variant type: single nucleotide variant.
Coding change: c.1614C>T on transcript NM_000548.5 (MANE Select); coding-DNA position 1614, C replaced by T.
Protein change: p.Ser538=; no amino-acid change (serine 538 retained).
Molecular consequence: synonymous variant.
Genome position (GRCh38, 1-based): chr16:2,065,533, C>T. VCF-style: chr16-2065533-C-T. GRCh37 (hg19) VCF-style: chr16-2115534-C-T.
Other names: c.1614C>T (NM_000548.3); c.1614C>T, p.Ser538= (NM_001077183.3, NM_001114382.3, NM_001363528.2 and 3 more transcripts); c.1503C>T, p.Ser501= (NM_001318827.2); c.1467C>T, p.Ser489= (NM_001318829.2); c.1014C>T, p.Ser338= (NM_001318831.2); c.1647C>T, p.Ser549= (NM_001318832.2).
Identifiers: ClinVar variation 1139114 (VCV001139114.11), dbSNP rs759762459, ClinGen allele CA031759.
Genomic context (GRCh38, chr16:2,065,533, plus strand): 5'-CTCAGAACCATGAGCCTGTGTGTAAGTCCTGGCCTTCTCTTCAAAGGTGATGGCCCGCTC[C>T]CTCTCCCCACCCCCGGAGCTGGAAGAAAGGGATGTGGCCGCATACTCGGCCTCCTTGGAG-3'
Protein context (NP_000539.2, residues 528-548): LDIIEKVMAR[Ser538=]LSPPPELEER